The following is an entry in ClinVar:

NM_000288.4(PEX7):c.879C>A (p.Asp293Glu)

Gene: PEX7 (peroxisomal biogenesis factor 7; plus strand). Cytogenetic location: 6q23.3.
Variant type: single nucleotide variant.
Coding change: c.879C>A on transcript NM_000288.4 (MANE Select); coding-DNA position 879, C replaced by A.
Protein change: p.Asp293Glu; replaces aspartic acid 293 with glutamic acid.
Molecular consequence: missense variant.
Genome position (GRCh38, 1-based): chr6:136,898,217, C>A. VCF-style: chr6-136898217-C-A. GRCh37 (hg19) VCF-style: chr6-137219355-C-A.
Other names: c.765C>A, p.Asp255Glu (NM_001410945.1); short protein forms D255E, D293E.
Identifiers: ClinVar variation 1717525 (VCV001717525.3), dbSNP rs2548109275, ClinGen allele CA365766781.

ClinVar aggregate classification (germline): Uncertain significance (1 of 4 stars; one submission).

Conditions:
Peroxisome biogenesis disorder 9B. Also called: PEX7-Related Refsum Disease; PEROXISOME BIOGENESIS DISORDER, PEX7-RELATED, ATYPICAL; Refsum disease, adult, 2. Identifiers: Orphanet 773, MedGen C2749346, MONDO:0013945, OMIM 614879.

Submission:

Labcorp Genetics (formerly Invitae), Labcorp
Classification: Uncertain significance for Peroxisome biogenesis disorder 9B. Last evaluated: 2022-08-22. Review status: criteria provided, single submitter. Criteria: Invitae Variant Classification Sherloc (09022015). Collection method: clinical testing. Allele origin: germline.
Comment: This sequence change replaces aspartic acid, which is acidic and polar, with glutamic acid, which is acidic and polar, at codon 293 of the PEX7 protein (p.Asp293Glu). This variant is not present in population databases (gnomAD no frequency). This variant has not been reported in the literature in individuals affected with PEX7-related conditions. Algorithms developed to predict the effect of missense changes on protein structure and function are either unavailable or do not agree on the potential impact of this missense change (SIFT: "Deleterious"; PolyPhen-2: "Probably Damaging"; Align-GVGD: "Class C0"). In summary, the available evidence is currently insufficient to determine the role of this variant in disease. Therefore, it has been classified as a Variant of Uncertain Significance.